The following is an entry in ClinVar:

ClinVar aggregate classification (germline): Benign (0 of 4 stars; one submission).

Conditions:
EIF4E-related disorder. Also called: EIF4E-related condition.

Allele frequency attached by ClinVar (database versions not stated): ExAC 0.51888; ESP Exome Variant Server 0.54886; gnomAD 0.56149; TOPMed 0.58143; 1000 Genomes Project 0.61422; 1000 Genomes Project 30x 0.62008.
gnomAD v4.1: 716,144 of 1,573,108 alleles (46%); highest among the groups gnomAD compares: African/African-American, 84%; 171,397 homozygotes.

Submission:

PreventionGenetics, part of Exact Sciences
Classification: Benign for EIF4E-related condition. Last evaluated: 2019-10-17. Review status: no assertion criteria provided. Collection method: clinical testing. Allele origin: germline.
Comment: This variant is classified as benign based on ACMG/AMP sequence variant interpretation guidelines (Richards et al. 2015 PMID: 25741868, with internal and published modifications).

NM_001968.5(EIF4E):c.18+120T>C

Gene: EIF4E (eukaryotic translation initiation factor 4E; minus strand). Cytogenetic location: 4q23.
Variant type: single nucleotide variant.
Coding change: c.18+120T>C on transcript NM_001968.5 (MANE Select); 120 bases into the intron after coding-DNA position 18, T replaced by C.
Molecular consequence: intron variant. On other transcripts: 5 prime UTR variant (1).
Genome position (GRCh38, 1-based): chr4:98,928,975, A>G on the plus strand (T>C on the coding strand, the complement: EIF4E is on the minus strand). VCF-style: chr4-98928975-A-G. GRCh37 (hg19) VCF-style: chr4-99850126-A-G.
Other names: c.-3T>C (NM_001130678.4); c.18+120T>C (NM_001130679.3); c.-181+120T>C (NM_001331017.2).
Identifiers: ClinVar variation 3061014 (VCV003061014.2), dbSNP rs11723037, ClinGen allele CA3017898.
Genomic context (GRCh38, chr4:98,928,975, plus strand): 5'-CCGCCTCGGCCATCCTCCGGGACGTCCCCACTTGTCCGCGGGAGGTCAGGTCCAACATGA[A>G]GGGGAAGGGGCGGCAAGGGGTACAGTGCGCGCCGGGAACGCCGTCCCGCGGAGTCCCCCA-3'